The following is an entry in ClinVar:

NM_001029885.2(CPTP):c.459C>T (p.Val153=)

Gene: CPTP (ceramide-1-phosphate transfer protein; plus strand). Cytogenetic location: 1p36.33.
Variant type: single nucleotide variant.
Coding change: c.459C>T on transcript NM_001029885.2 (MANE Select); coding-DNA position 459, C replaced by T.
Protein change: p.Val153=; no amino-acid change (valine 153 retained).
Molecular consequence: synonymous variant.
Genome position (GRCh38, 1-based): chr1:1,327,577, C>T. VCF-style: chr1-1327577-C-T. GRCh37 (hg19) VCF-style: chr1-1262957-C-T.
Identifiers: ClinVar variation 2637999 (VCV002637999.24), dbSNP rs140494438, ClinGen allele CA518484.

ClinVar aggregate classification (germline): Likely benign (1 of 4 stars; one submission).

Allele frequency attached by ClinVar (database versions not stated): gnomAD exomes 0.00053; ESP Exome Variant Server 0.00116; ExAC 0.00127; gnomAD 0.00132; TOPMed 0.00157; 1000 Genomes Project 0.00200; 1000 Genomes Project 30x 0.00219.

Submission:

CeGaT Center for Human Genetics Tuebingen
Classification: Likely benign. Last evaluated: 2022-12-01. Review status: criteria provided, single submitter. Criteria: CeGaT Center For Human Genetics Tuebingen Variant Classification Criteria Version 2. Collection method: clinical testing. Allele origin: germline. Affected: yes. Observed: 2 variant alleles.
Comment: CPTP: BP4, BP7